The following is an entry in ClinVar:

NM_001322934.2(NFKB2):c.2072-1G>A

Gene: NFKB2 (nuclear factor kappa B subunit 2; plus strand). Cytogenetic location: 10q24.32.
Variant type: single nucleotide variant.
Coding change: c.2072-1G>A on transcript NM_001322934.2 (MANE Select); the canonical splice acceptor site of the intron before coding-DNA position 2072, G replaced by A.
Molecular consequence: splice acceptor variant.
Genome position (GRCh38, 1-based): chr10:102,401,179, G>A. VCF-style: chr10-102401179-G-A. GRCh37 (hg19) VCF-style: chr10-104160936-G-A.
Other names: c.2072-1G>A (NM_001288724.1, NM_001077494.3, NM_001261403.3 and 1 more transcripts); c.1946-1G>A (NM_001322935.1).
Identifiers: ClinVar variation 3390295 (VCV003390295.14).

ClinVar aggregate classification (germline): Uncertain significance (1 of 4 stars; one submission).

Submission:

CeGaT Center for Human Genetics Tuebingen
Classification: Uncertain significance. Last evaluated: 2024-11-01. Review status: criteria provided, single submitter. Criteria: CeGaT Center For Human Genetics Tuebingen Variant Classification Criteria Version 2. Collection method: clinical testing. Allele origin: germline. Affected: yes. Observed: 1 variant allele.
Comment: NFKB2: PM2, PVS1:Moderate